The following is an entry in ClinVar:

NM_025114.4(CEP290):c.4069C>T (p.Gln1357Ter)

Gene: CEP290 (centrosomal protein 290; minus strand). Cytogenetic location: 12q21.32.
Variant type: single nucleotide variant.
Coding change: c.4069C>T on transcript NM_025114.4 (MANE Select); coding-DNA position 4069, C replaced by T.
Protein change: p.Gln1357Ter; replaces glutamine 1357 with a stop codon.
Molecular consequence: nonsense.
Genome position (GRCh38, 1-based): chr12:88,087,905, G>A on the plus strand (C>T on the coding strand, the complement: CEP290 is on the minus strand). VCF-style: chr12-88087905-G-A. GRCh37 (hg19) VCF-style: chr12-88481682-G-A.
Other names: short protein forms Q1357*.
Identifiers: ClinVar variation 1999862 (VCV001999862.4), dbSNP rs2500065308, ClinGen allele CA385999278.

ClinVar aggregate classification (germline): Pathogenic (1 of 4 stars; one submission).

Conditions:
Joubert syndrome. Also called: CEREBELLOPARENCHYMAL DISORDER IV; JOUBERT-BOLTSHAUSER SYNDROME; Familial aplasia of the vermis. Identifiers: Orphanet 475, MedGen C5979921, MONDO:0018772.
Meckel-Gruber syndrome. Also called: DYSENCEPHALIA SPLANCHNOCYSTICA; GRUBER SYNDROME; Dysencephalia splachnocystica. Identifiers: Orphanet 564, MedGen C0265215, MONDO:0018921.
Nephronophthisis. Also called: Juvenile Nephronophthisis. Identifiers: Orphanet 655, MedGen C0687120, MONDO:0019005, HP:0000090.

Submission:

Labcorp Genetics (formerly Invitae), Labcorp
Classification: Pathogenic for Joubert syndrome; Meckel-Gruber syndrome; Nephronophthisis. Last evaluated: 2022-10-24. Review status: criteria provided, single submitter. Criteria: Invitae Variant Classification Sherloc (09022015). Collection method: clinical testing. Allele origin: germline.
Comment: For these reasons, this variant has been classified as Pathogenic. This variant has not been reported in the literature in individuals affected with CEP290-related conditions. This variant is not present in population databases (gnomAD no frequency). This sequence change creates a premature translational stop signal (p.Gln1357*) in the CEP290 gene. It is expected to result in an absent or disrupted protein product. Loss-of-function variants in CEP290 are known to be pathogenic (PMID: 16909394, 17345604, 20690115).

Literature cited by the submitters: PubMed 16909394; PubMed 17345604; PubMed 20690115.